The following is an entry in ClinVar:

NM_000400.4(ERCC2):c.1763G>T (p.Cys588Phe)

Gene: ERCC2 (ERCC excision repair 2, TFIIH core complex helicase subunit; minus strand). Cytogenetic location: 19q13.32.
Variant type: single nucleotide variant.
Coding change: c.1763G>T on transcript NM_000400.4 (MANE Select); coding-DNA position 1763, G replaced by T.
Protein change: p.Cys588Phe; replaces cysteine 588 with phenylalanine.
Molecular consequence: missense variant.
Genome position (GRCh38, 1-based): chr19:45,353,151, C>A on the plus strand (G>T on the coding strand, the complement: ERCC2 is on the minus strand). VCF-style: chr19-45353151-C-A. GRCh37 (hg19) VCF-style: chr19-45856409-C-A.
Other names: short protein forms C588F.
Identifiers: ClinVar variation 3231657 (VCV003231657.1), dbSNP rs553920662, ClinGen allele CA9513088.

ClinVar aggregate classification (germline): Uncertain significance (1 of 4 stars; one submission).

Conditions:
Inborn genetic diseases. Identifiers: MedGen C0950123, MeSH D030342.

Allele frequency attached by ClinVar (database versions not stated): ExAC 0.00001; gnomAD 0.00001; 1000 Genomes Project 30x 0.00016; 1000 Genomes Project 0.00020.

Submission:

Ambry Genetics
Classification: Uncertain significance for Inborn genetic diseases. Last evaluated: 2024-01-29. Review status: criteria provided, single submitter. Criteria: Ambry Variant Classification Scheme 2023. Collection method: clinical testing. Allele origin: germline.
Comment: The p.C588F variant (also known as c.1763G>T), located in coding exon 19 of the ERCC2 gene, results from a G to T substitution at nucleotide position 1763. The cysteine at codon 588 is replaced by phenylalanine, an amino acid with highly dissimilar properties. This amino acid position is conserved. In addition, this alteration is predicted to be deleterious by in silico analysis. Based on the available evidence, the clinical significance of this alteration remains unclear.